The following is an entry in ClinVar:

NM_005918.4(MDH2):c.274G>T (p.Gly92Cys)

Gene: MDH2 (malate dehydrogenase 2; plus strand). Cytogenetic location: 7q11.23.
Variant type: single nucleotide variant.
Coding change: c.274G>T on transcript NM_005918.4 (MANE Select); coding-DNA position 274, G replaced by T.
Protein change: p.Gly92Cys; replaces glycine 92 with cysteine.
Molecular consequence: missense variant. On other transcripts: 5 prime UTR variant (1).
Genome position (GRCh38, 1-based): chr7:76,057,448, G>T. VCF-style: chr7-76057448-G-T. GRCh37 (hg19) VCF-style: chr7-75686766-G-T.
Other names: c.274G>T, p.Gly92Cys (NM_001282403.2); c.-48G>T (NM_001282404.2); short protein forms G92C.
Identifiers: ClinVar variation 1795548 (VCV001795548.3), dbSNP rs145477708, ClinGen allele CA4305479.

ClinVar aggregate classification (germline): Uncertain significance (1 of 4 stars; one submission).

Conditions:
Inborn genetic diseases. Identifiers: MedGen C0950123, MeSH D030342.

Allele frequency attached by ClinVar (database versions not stated): ExAC 0.00001; gnomAD 0.00005; TOPMed 0.00005; ESP Exome Variant Server 0.00015.
gnomAD v4.1: 13 of 1,614,082 alleles (0.00081%); highest among the groups gnomAD compares: African/African-American, 0.013%; no homozygotes.

Submission:

Ambry Genetics
Classification: Uncertain significance for Inborn genetic diseases. Last evaluated: 2023-09-10. Review status: criteria provided, single submitter. Criteria: Ambry Variant Classification Scheme 2023. Collection method: clinical testing. Allele origin: germline.
Comment: The p.G92C variant (also known as c.274G>T), located in coding exon 3 of the MDH2 gene, results from a G to T substitution at nucleotide position 274. The glycine at codon 92 is replaced by cysteine, an amino acid with highly dissimilar properties. This amino acid position is conserved. In addition, this alteration is predicted to be deleterious by in silico analysis. Since supporting evidence is limited at this time, the clinical significance of this alteration remains unclear.